The following is an entry in ClinVar:

NM_018489.3(ASH1L):c.1734_1735delinsTT (p.Leu578_Ala579delinsPheSer)

Gene: ASH1L (ASH1 like histone lysine methyltransferase; minus strand). Cytogenetic location: 1q22.
Variant type: Indel.
Coding change: c.1734_1735delinsTT on transcript NM_018489.3 (MANE Select); coding-DNA positions 1734 to 1735, GG replaced by TT.
Protein change: p.Leu578_Ala579delinsPheSer.
Molecular consequence: missense variant.
Genome position (GRCh38, 1-based): chr1:155,481,135-155,481,136, CC replaced by AA on the plus strand (GG replaced by TT on the coding strand, the reverse complement: ASH1L is on the minus strand). VCF-style: chr1-155481135-CC-AA. GRCh37 (hg19) VCF-style: chr1-155450926-CC-AA.
Other names: c.1734_1735delinsTT, p.Leu578_Ala579delinsPheSer (NM_001366177.2).
Identifiers: ClinVar variation 3903352 (VCV003903352.1).

ClinVar aggregate classification (germline): Uncertain significance (1 of 4 stars; one submission).

Submission:

GeneDx
Classification: Uncertain significance. Last evaluated: 2024-12-09. Review status: criteria provided, single submitter. Criteria: GeneDx Variant Classification Process June 2021. Collection method: clinical testing. Allele origin: germline. Affected: yes.
Comment: Not observed at significant frequency in large population cohorts (gnomAD); In silico analysis indicates that this variant does not alter protein structure/function; Has not been previously published as pathogenic or benign to our knowledge